The following is an entry in ClinVar:

NM_000384.3(APOB):c.5029C>A (p.Leu1677Ile)

Gene: APOB (apolipoprotein B; minus strand). Cytogenetic location: 2p24.1.
Variant type: single nucleotide variant.
Coding change: c.5029C>A on transcript NM_000384.3 (MANE Select); coding-DNA position 5029, C replaced by A.
Protein change: p.Leu1677Ile; replaces leucine 1677 with isoleucine.
Molecular consequence: missense variant.
Genome position (GRCh38, 1-based): chr2:21,011,839, G>T on the plus strand (C>A on the coding strand, the complement: APOB is on the minus strand). VCF-style: chr2-21011839-G-T. GRCh37 (hg19) VCF-style: chr2-21234711-G-T.
Other names: short protein forms L1677I.
Identifiers: ClinVar variation 5027305 (VCV005027305.1).

ClinVar aggregate classification (germline): Uncertain significance (1 of 4 stars; one submission).

Conditions:
Cardiovascular phenotype. Identifiers: MedGen CN230736.

Submission:

Ambry Genetics
Classification: Uncertain significance for Cardiovascular phenotype. Last evaluated: 2026-07-02. Review status: criteria provided, single submitter. Criteria: Ambry Variant Classification Scheme 2023. Collection method: clinical testing. Allele origin: germline.
Comment: The p.L1677I variant (also known as c.5029C>A), located in coding exon 26 of the APOB gene, results from a C to A substitution at nucleotide position 5029. The leucine at codon 1677 is replaced by isoleucine, an amino acid with highly similar properties. This amino acid position is conserved. In addition, this alteration is predicted to be tolerated by in silico analysis. Based on the available evidence, the clinical significance of this variant remains unclear.